The following is an entry in ClinVar:

ClinVar aggregate classification (germline): Likely benign. Review status: criteria provided, multiple submitters, no conflicts (2 of 4 stars). 2 submissions from 2 submitters: Likely benign (2). Last evaluated 2025-08-03.

Conditions:
Long QT syndrome (LQTS). Identifiers: MedGen C0023976, MeSH D008133, MONDO:0002442. Disease mechanism: loss of function. Inheritance: Various modes of inheritance.

gnomAD v4.1: 7 of 1,476,886 alleles (0.00047%); highest among the groups gnomAD compares: South Asian, 0.0023%; no homozygotes.

Submissions (2):

Labcorp Genetics (formerly Invitae), Labcorp
Classification: Likely benign for Long QT syndrome. Last evaluated: 2025-08-03. Review status: criteria provided, single submitter. Criteria: Invitae Variant Classification Sherloc (09022015). Collection method: clinical testing. Allele origin: germline.

GeneDx
Classification: Likely benign. Last evaluated: 2017-02-10. Review status: criteria provided, single submitter. Criteria: GeneDx Variant Classification (06012015). Collection method: clinical testing. Allele origin: germline. Affected: yes.
Comment: This variant is considered likely benign or benign based on one or more of the following criteria: it is a conservative change, it occurs at a poorly conserved position in the protein, it is predicted to be benign by multiple in silico algorithms, and/or has population frequency not consistent with disease.

NM_000719.7(CACNA1C):c.4141-20C>A

Gene: CACNA1C (calcium voltage-gated channel subunit alpha1 C; plus strand). Cytogenetic location: 12p13.33.
Variant type: single nucleotide variant.
Coding change: c.4141-20C>A on transcript NM_000719.7 (MANE Select); 20 bases into the intron before coding-DNA position 4141, C replaced by A.
Molecular consequence: intron variant.
Genome position (GRCh38, 1-based): chr12:2,655,127, C>A. VCF-style: chr12-2655127-C-A. GRCh37 (hg19) VCF-style: chr12-2764293-C-A.
Other names: c.4141-20C>A (NM_001167624.3, NM_001167623.2, NM_001129840.2 and 7 more transcripts); c.4108-20C>A (NM_001167625.2, NM_001129837.2, NM_001129838.2 and 1 more transcripts); c.4285-20C>A (NM_199460.4, NM_001129827.2); c.4201-20C>A (NM_001129832.2); c.4225-20C>A (NM_001129831.2); c.4207-20C>A (NM_001129829.2); c.4102-20C>A (NM_001129839.2); c.4192-20C>A (NM_001129836.2); and 1 more.
Identifiers: ClinVar variation 517744 (VCV000517744.2), dbSNP rs934540211, ClinGen allele CA602736512.